The following is an entry in ClinVar:

ClinVar aggregate classification (germline): Likely benign (1 of 4 stars; one submission).

Allele frequency attached by ClinVar (database versions not stated): ESP Exome Variant Server 0.00031; TOPMed 0.00051; gnomAD exomes 0.00057; gnomAD 0.00066; ExAC 0.00076.
gnomAD v4.1: 920 of 1,614,128 alleles (0.057%); highest among the groups gnomAD compares: Non-Finnish European, 0.067%; 2 homozygotes.

Submission:

CeGaT Center for Human Genetics Tuebingen
Classification: Likely benign. Last evaluated: 2023-01-01. Review status: criteria provided, single submitter. Criteria: CeGaT Center For Human Genetics Tuebingen Variant Classification Criteria Version 2. Collection method: clinical testing. Allele origin: germline. Affected: yes. Observed: 1 variant allele.
Comment: ZNF606: BP4, BP7

NM_001348022.3(ZNF606):c.189C>T (p.Thr63=)

Gene: ZNF606 (zinc finger protein 606; minus strand). Cytogenetic location: 19q13.43.
Variant type: single nucleotide variant.
Coding change: c.189C>T on transcript NM_001348022.3 (MANE Select); coding-DNA position 189, C replaced by T.
Protein change: p.Thr63=; no amino-acid change (threonine 63 retained).
Molecular consequence: synonymous variant. On other transcripts: 5 prime UTR variant (3).
Genome position (GRCh38, 1-based): chr19:57,988,710, G>A on the plus strand (C>T on the coding strand, the complement: ZNF606 is on the minus strand). VCF-style: chr19-57988710-G-A. GRCh37 (hg19) VCF-style: chr19-58500078-G-A.
Other names: c.-82C>T (NM_001348023.3, NM_001348024.3); c.-291C>T (NM_001348025.3); c.189C>T, p.Thr63= (NM_025027.4).
Identifiers: ClinVar variation 2650581 (VCV002650581.24), dbSNP rs139860010, ClinGen allele CA9709721.